The following is an entry in ClinVar:

NM_201384.3(PLEC):c.6662G>T (p.Arg2221Leu)

Gene: PLEC (plectin; minus strand). Cytogenetic location: 8q24.3.
Variant type: single nucleotide variant.
Coding change: c.6662G>T on transcript NM_201384.3 (MANE Select); coding-DNA position 6662, G replaced by T.
Protein change: p.Arg2221Leu; replaces arginine 2221 with leucine.
Molecular consequence: missense variant.
Genome position (GRCh38, 1-based): chr8:143,923,267, C>A on the plus strand (G>T on the coding strand, the complement: PLEC is on the minus strand). VCF-style: chr8-143923267-C-A. GRCh37 (hg19) VCF-style: chr8-144997435-C-A.
Other names: c.6743G>T, p.Arg2248Leu (NM_000445.5); c.6620G>T, p.Arg2207Leu (NM_201378.4); c.6596G>T, p.Arg2199Leu (NM_201379.3); c.7073G>T, p.Arg2358Leu (NM_201380.4); c.6566G>T, p.Arg2189Leu (NM_201381.3); c.6662G>T, p.Arg2221Leu (NM_201382.4); c.6674G>T, p.Arg2225Leu (NM_201383.3); short protein forms R2189L, R2207L, R2358L, R2225L, R2248L, R2199L, R2221L.
Identifiers: ClinVar variation 538988 (VCV000538988.8), dbSNP rs782458946, ClinGen allele CA4925909.

ClinVar aggregate classification (germline): Uncertain significance (1 of 4 stars; one submission).

Conditions:
Epidermolysis bullosa simplex with nail dystrophy (EBS5D). Identifiers: MedGen C4225309, MONDO:0014661, OMIM 616487.
Epidermolysis bullosa simplex 5B, with muscular dystrophy (EBS5B). Also called: EPIDERMOLYSIS BULLOSA SIMPLEX AND LIMB-GIRDLE MUSCULAR DYSTROPHY; Epidermolysis bullosa simplex with muscular dystrophy. Identifiers: Orphanet 257, MedGen C2931072, MONDO:0009181, OMIM 226670.
Epidermolysis bullosa simplex, Ogna type (EBS5A). Also called: Pidermolysis bullosa simplex 5A, Ogna type; EPIDERMOLYSIS BULLOSA SIMPLEX 5A, OGNA TYPE. Identifiers: Orphanet 79401, MedGen C0432317, MONDO:0007555, OMIM 131950.
Autosomal recessive limb-girdle muscular dystrophy type 2Q (LGMDR17). Also called: MUSCULAR DYSTROPHY, LIMB-GIRDLE, AUTOSOMAL RECESSIVE 17. Identifiers: Orphanet 254361, MedGen C3150989, MONDO:0013390, OMIM 613723.
Epidermolysis bullosa simplex 5C, with pyloric atresia (EBS5C). Also called: PLEC-Related Epidermolysis Bullosa with Pyloric Atresia; Epidermolysis bullosa simplex with pyloric atresia; PLEC1-Related Epidermolysis Bullosa with Pyloric Atresia. Identifiers: Orphanet 158684, MedGen C2677349, MONDO:0012807, OMIM 612138.

gnomAD v4.1: 8 of 1,606,522 alleles (0.0005%); highest among the groups gnomAD compares: Non-Finnish European, 0.00051%; no homozygotes.

Submission:

Labcorp Genetics (formerly Invitae), Labcorp
Classification: Uncertain significance for Autosomal recessive limb-girdle muscular dystrophy type 2Q; Epidermolysis bullosa simplex, Ogna type; Epidermolysis bullosa simplex with nail dystrophy; Epidermolysis bullosa simplex 5C, with pyloric atresia; Epidermolysis bullosa simplex 5B, with muscular dystrophy. Last evaluated: 2022-10-24. Review status: criteria provided, single submitter. Criteria: Invitae Variant Classification Sherloc (09022015). Collection method: clinical testing. Allele origin: germline.
Comment: In summary, the available evidence is currently insufficient to determine the role of this variant in disease. Therefore, it has been classified as a Variant of Uncertain Significance. Algorithms developed to predict the effect of missense changes on protein structure and function are either unavailable or do not agree on the potential impact of this missense change (SIFT: "Deleterious"; PolyPhen-2: "Benign"; Align-GVGD: "Class C35"). ClinVar contains an entry for this variant (Variation ID: 538988). This variant has not been reported in the literature in individuals affected with PLEC-related conditions. This variant is present in population databases (rs782458946, gnomAD 0.002%). This sequence change replaces arginine, which is basic and polar, with leucine, which is neutral and non-polar, at codon 2248 of the PLEC protein (p.Arg2248Leu).